The following is an entry in ClinVar:

ClinVar aggregate classification (germline): Pathogenic (1 of 4 stars; one submission).

Conditions:
BAP1-related tumor predisposition syndrome (TPDS1). Also called: Tumor susceptibility linked to germline BAP1 mutations; BAP1 tumor predisposition syndrome; COMMON Syndrome; TUMOR PREDISPOSITION SYNDROME 1. Identifiers: Orphanet 289539, MedGen C3280492, MONDO:0013692, OMIM 614327.

Submission:

Labcorp Genetics (formerly Invitae), Labcorp
Classification: Pathogenic for BAP1-related tumor predisposition syndrome. Last evaluated: 2020-07-07. Review status: criteria provided, single submitter. Criteria: Invitae Variant Classification Sherloc (09022015). Collection method: clinical testing. Allele origin: germline.
Comment: This sequence change creates a premature translational stop signal (p.Asp68Valfs*4) in the BAP1 gene. It is expected to result in an absent or disrupted protein product. This variant is not present in population databases (ExAC no frequency). This variant has not been reported in the literature in individuals with BAP1-related conditions. Algorithms developed to predict the effect of sequence changes on RNA splicing suggest that this variant may create or strengthen a splice site, but this prediction has not been confirmed by published transcriptional studies. Loss-of-function variants in BAP1 are known to be pathogenic (PMID: 21874000, 23684012). For these reasons, this variant has been classified as Pathogenic.

Literature cited by the submitters: PubMed 21874000; PubMed 23684012.

NM_004656.4(BAP1):c.203del (p.Asp68fs)

Gene: BAP1 (BRCA1 associated deubiquitinase 1; minus strand). Cytogenetic location: 3p21.1.
Variant type: Deletion.
Coding change: c.203del on transcript NM_004656.4 (MANE Select); coding-DNA position 203, one base deleted (A; older notation c.203delA).
Protein change: p.Asp68fs; shifts the reading frame from aspartic acid 68.
Molecular consequence: frameshift variant.
Genome position (GRCh38, 1-based): chr3:52,408,526, T deleted on the plus strand (A on the coding strand, the reverse complement: BAP1 is on the minus strand). VCF-style (leftmost placement, unchanged base first): chr3-52408525-AT-A. GRCh37 (hg19) VCF-style: chr3-52442541-AT-A.
Other names: short protein forms D68fs.
Identifiers: ClinVar variation 1073050 (VCV001073050.5), dbSNP rs2153228310, ClinGen allele CA2499216954.
Genomic context (GRCh38, chr3:52,408,525, plus strand): 5'-CCAGCAGACCTGGTGGGCAAAGAACATGTTATTCACAATATCATCATCAATCACGGACGT[AT>A]CATCCACCAAGGTAGAGACCTTTCGCCGGGACCGGCGCTCTTCGATCCATTTGAACAGGA-3'